The following is an entry in ClinVar:

ClinVar aggregate classification (germline): Likely benign (1 of 4 stars; one submission).

Allele frequency attached by ClinVar (database versions not stated): TOPMed 0.00003; gnomAD 0.00010; 1000 Genomes Project 30x 0.00078; 1000 Genomes Project 0.00080.
gnomAD v4.1: 103 of 1,542,546 alleles (0.0067%); highest among the groups gnomAD compares: East Asian, 0.08%; no homozygotes.

Submission:

GeneDx
Classification: Likely benign. Last evaluated: 2018-01-25. Review status: criteria provided, single submitter. Criteria: GeneDx Variant Classification (06012015). Collection method: clinical testing. Allele origin: germline. Affected: yes.
Comment: This variant is considered likely benign or benign based on one or more of the following criteria: it is a conservative change, it occurs at a poorly conserved position in the protein, it is predicted to be benign by multiple in silico algorithms, and/or has population frequency not consistent with disease.

NM_016035.5(COQ4):c.-11C>A

Gene: COQ4 (coenzyme Q4; plus strand). Cytogenetic location: 9q34.11.
Variant type: single nucleotide variant.
Coding change: c.-11C>A on transcript NM_016035.5 (MANE Select); 11 bases upstream of the start codon, C replaced by A.
Molecular consequence: 5 prime UTR variant.
Genome position (GRCh38, 1-based): chr9:128,322,848, C>A. VCF-style: chr9-128322848-C-A. GRCh37 (hg19) VCF-style: chr9-131085127-C-A.
Other names: c.-11C>A (NM_001305942.2).
Identifiers: ClinVar variation 514811 (VCV000514811.1), dbSNP rs368877538, ClinGen allele CA5260354.